The following is an entry in ClinVar:

NM_015021.3(ZNF292):c.7332T>C (p.Ala2444=)

Gene: ZNF292 (zinc finger protein 292; plus strand). Cytogenetic location: 6q14.3.
Variant type: single nucleotide variant.
Coding change: c.7332T>C on transcript NM_015021.3 (MANE Select); coding-DNA position 7332, T replaced by C.
Protein change: p.Ala2444=; no amino-acid change (alanine 2444 retained).
Molecular consequence: synonymous variant.
Genome position (GRCh38, 1-based): chr6:87,260,961, T>C. VCF-style: chr6-87260961-T-C. GRCh37 (hg19) VCF-style: chr6-87970679-T-C.
Other names: c.6912T>C, p.Ala2304= (NM_001351444.2).
Identifiers: ClinVar variation 4872457 (VCV004872457.2).
Genomic context (GRCh38, chr6:87,260,961, plus strand): 5'-TATTGTATTCAAACGGTGTTGCAACTCACAAGTAAAGGAAACGTCTGAGCAAGAAGGTGC[T>C]AAGAATGATGTGAAAGATTCTGACACGTGTGTATCAGAGAGCAATGATAATTCAAGAACA-3'
Protein context (NP_055836.1, residues 2434-2454): QVKETSEQEG[Ala2444=]KNDVKDSDTC

ClinVar aggregate classification (germline): Likely benign (1 of 4 stars; one submission).

gnomAD v4.1: 98 of 1,609,970 alleles (0.0061%); highest among the groups gnomAD compares: Non-Finnish European, 0.0081%; no homozygotes.

Submission:

CeGaT Center for Human Genetics Tuebingen
Classification: Likely benign. Last evaluated: 2026-05-01. Review status: criteria provided, single submitter. Criteria: CeGaT Center For Human Genetics Tuebingen Variant Classification Criteria Version 2. Collection method: clinical testing. Allele origin: germline. Affected: yes. Observed: 1 variant allele.
Comment: ZNF292: BP4, BP7